The following is an entry in ClinVar:

ClinVar aggregate classification (germline): Pathogenic (1 of 4 stars; one submission).

Conditions:
Ulnar-mammary syndrome (UMS). Also called: SCHINZEL SYNDROME; Ulnar-mammary syndrome of Pallister; PALLISTER ULNAR-MAMMARY SYNDROME. Identifiers: Orphanet 3138, MedGen C1866994, MONDO:0008411, OMIM 181450.

Submission:

Labcorp Genetics (formerly Invitae), Labcorp
Classification: Pathogenic for Ulnar-mammary syndrome. Last evaluated: 2022-06-08. Review status: criteria provided, single submitter. Criteria: Invitae Variant Classification Sherloc (09022015). Collection method: clinical testing. Allele origin: germline.
Comment: For these reasons, this variant has been classified as Pathogenic. This variant has not been reported in the literature in individuals affected with TBX3-related conditions. This variant is not present in population databases (gnomAD no frequency). This sequence change creates a premature translational stop signal (p.Arg236Lysfs*4) in the TBX3 gene. It is expected to result in an absent or disrupted protein product. Loss-of-function variants in TBX3 are known to be pathogenic (PMID: 12668170, 16896345).

Literature cited by the submitters: PubMed 12668170; PubMed 16896345.

NM_005996.4(TBX3):c.704dup (p.Arg236fs)

Gene: TBX3 (T-box transcription factor 3; minus strand). Cytogenetic location: 12q24.21.
Variant type: Duplication.
Coding change: c.704dup on transcript NM_005996.4 (MANE Select); coding-DNA position 704, one base duplicated (T; older notation c.704dupT).
Protein change: p.Arg236fs; shifts the reading frame from arginine 236.
Molecular consequence: frameshift variant.
Genome position (GRCh38, 1-based): chr12:114,679,605, A duplicated on the plus strand (T on the coding strand, the reverse complement: TBX3 is on the minus strand). VCF-style (leftmost placement, unchanged base first): chr12-114679604-T-TA. GRCh37 (hg19) VCF-style: chr12-115117409-T-TA.
Other names: c.764dup, p.Arg256fs (NM_016569.4); short protein forms R256fs, R236fs.
Identifiers: ClinVar variation 2131719 (VCV002131719.4), dbSNP rs2499793907, ClinGen allele CA2580085861.